The following is an entry in ClinVar:

NM_130466.4(UBE3B):c.2033C>T (p.Pro678Leu)

Gene: UBE3B (ubiquitin protein ligase E3B; plus strand). Cytogenetic location: 12q24.11.
Variant type: single nucleotide variant.
Coding change: c.2033C>T on transcript NM_130466.4 (MANE Select); coding-DNA position 2033, C replaced by T.
Protein change: p.Pro678Leu; replaces proline 678 with leucine.
Molecular consequence: missense variant.
Genome position (GRCh38, 1-based): chr12:109,516,841, C>T. VCF-style: chr12-109516841-C-T. GRCh37 (hg19) VCF-style: chr12-109954646-C-T.
Other names: c.2033C>T, p.Pro678Leu (NM_183415.3); c.2033C>T (NM_130466.3, NM_130466.2); short protein forms P678L.
Identifiers: ClinVar variation 2074338 (VCV002074338.4), dbSNP rs368809737, ClinGen allele CA6778088.

ClinVar aggregate classification (germline): Uncertain significance. Review status: criteria provided, multiple submitters, no conflicts (2 of 4 stars). 3 submissions from 3 submitters: Uncertain significance (3). Last evaluated 2024-10-17.

Conditions:
Inborn genetic diseases. Identifiers: MedGen C0950123, MeSH D030342.

Allele frequency attached by ClinVar (database versions not stated): gnomAD exomes 0.00004; TOPMed 0.00006; ESP Exome Variant Server 0.00008; gnomAD 0.00009; ExAC 0.00011; 1000 Genomes Project 30x 0.00016; 1000 Genomes Project 0.00020.
gnomAD v4.1: 82 of 1,614,052 alleles (0.0051%); highest among the groups gnomAD compares: African/African-American, 0.02%; no homozygotes.

Submissions (3):

Labcorp Genetics (formerly Invitae), Labcorp
Classification: Uncertain significance. Last evaluated: 2024-10-17. Review status: criteria provided, single submitter. Criteria: Invitae Variant Classification Sherloc (09022015). Collection method: clinical testing. Allele origin: germline.
Comment: This sequence change replaces proline, which is neutral and non-polar, with leucine, which is neutral and non-polar, at codon 678 of the UBE3B protein (p.Pro678Leu). This variant is present in population databases (rs368809737, gnomAD 0.04%). This variant has not been reported in the literature in individuals affected with UBE3B-related conditions. ClinVar contains an entry for this variant (Variation ID: 2074338). Invitae Evidence Modeling of protein sequence and biophysical properties (such as structural, functional, and spatial information, amino acid conservation, physicochemical variation, residue mobility, and thermodynamic stability) indicates that this missense variant is not expected to disrupt UBE3B protein function with a negative predictive value of 80%. In summary, the available evidence is currently insufficient to determine the role of this variant in disease. Therefore, it has been classified as a Variant of Uncertain Significance.

Ambry Genetics
Classification: Uncertain significance for Inborn genetic diseases. Last evaluated: 2024-10-08. Review status: criteria provided, single submitter. Criteria: Ambry Variant Classification Scheme 2023. Collection method: clinical testing. Allele origin: germline.

GeneDx
Classification: Uncertain significance. Last evaluated: 2024-04-02. Review status: criteria provided, single submitter. Criteria: GeneDx Variant Classification Process June 2021. Collection method: clinical testing. Allele origin: germline. Affected: yes.
Comment: In silico analysis supports that this missense variant has a deleterious effect on protein structure/function; Has not been previously published as pathogenic or benign to our knowledge